The following is an entry in ClinVar:

ClinVar aggregate classification (germline): Uncertain significance (1 of 4 stars; one submission).

Submission:

Centre of Medical Genetics, University Hospital Muenster
Classification: Uncertain significance. Last evaluated: 2021-12-08. Review status: criteria provided, single submitter. Criteria: ACMG Guidelines, 2015. Collection method: clinical testing. Allele origin: unknown. Affected: yes. Observed: 1 variant allele, 1 heterozygote.
Comment: ACMG categories: PM1,PM2

NM_004044.7(ATIC):c.642G>C (p.Gln214His)

Gene: ATIC (5-aminoimidazole-4-carboxamide ribonucleotide formyltransferase/IMP cyclohydrolase; plus strand). Cytogenetic location: 2q35.
Variant type: single nucleotide variant.
Coding change: c.642G>C on transcript NM_004044.7 (MANE Select); coding-DNA position 642, G replaced by C.
Protein change: p.Gln214His; replaces glutamine 214 with histidine.
Molecular consequence: missense variant.
Genome position (GRCh38, 1-based): chr2:215,326,932, G>C. VCF-style: chr2-215326932-G-C. GRCh37 (hg19) VCF-style: chr2-216191655-G-C.
Other names: short protein forms Q214H.
Identifiers: ClinVar variation 1708457 (VCV001708457.3), dbSNP rs2468995255, ClinGen allele CA350476354.